The following is an entry in ClinVar:

ClinVar aggregate classification (germline): Uncertain significance (1 of 4 stars; one submission).

Submission:

CeGaT Center for Human Genetics Tuebingen
Classification: Uncertain significance. Last evaluated: 2025-11-01. Review status: criteria provided, single submitter. Criteria: CeGaT Center For Human Genetics Tuebingen Variant Classification Criteria Version 2. Collection method: clinical testing. Allele origin: germline. Affected: yes. Observed: 1 variant allele.
Comment: RORA: PM2, PP3

NM_134261.3(RORA):c.86C>A (p.Thr29Asn)

Gene: RORA (RAR related orphan receptor A; minus strand). Cytogenetic location: 15q22.2.
Variant type: single nucleotide variant.
Coding change: c.86C>A on transcript NM_134261.3 (MANE Select); coding-DNA position 86, C replaced by A.
Protein change: p.Thr29Asn; replaces threonine 29 with asparagine.
Molecular consequence: missense variant.
Genome position (GRCh38, 1-based): chr15:61,229,133, G>T on the plus strand (C>A on the coding strand, the complement: RORA is on the minus strand). VCF-style: chr15-61229133-G-T. GRCh37 (hg19) VCF-style: chr15-61521332-G-T.
Other names: short protein forms T29N.
Identifiers: ClinVar variation 4535188 (VCV004535188.6).